The following is an entry in ClinVar:

ClinVar aggregate classification (germline): Uncertain significance. Review status: criteria provided, multiple submitters, no conflicts (2 of 4 stars). 2 submissions from 2 submitters: Uncertain significance (2). Last evaluated 2026-01-12.

Allele frequency attached by ClinVar (database versions not stated): TOPMed 0.00002; gnomAD 0.00003.
gnomAD v4.1: 13 of 1,613,420 alleles (0.00081%); highest among the groups gnomAD compares: Middle Eastern, 0.016%; no homozygotes.

Submissions (2):

Labcorp Genetics (formerly Invitae), Labcorp
Classification: Uncertain significance. Last evaluated: 2026-01-12. Review status: criteria provided, single submitter. Criteria: Invitae Variant Classification Sherloc (09022015). Collection method: clinical testing. Allele origin: germline.
Comment: This sequence change replaces alanine, which is neutral and non-polar, with valine, which is neutral and non-polar, at codon 496 of the DHX32 protein (p.Ala496Val). This variant is not present in population databases (gnomAD no frequency). This variant has not been reported in the literature in individuals affected with DHX32-related conditions. ClinVar contains an entry for this variant (Variation ID: 2965224). An algorithm developed to predict the effect of missense changes on protein structure and function (PolyPhen-2) suggests that this variant is likely to be disruptive. In summary, the available evidence is currently insufficient to determine the role of this variant in disease. Therefore, it has been classified as a Variant of Uncertain Significance.

Ambry Genetics
Classification: Uncertain significance. Last evaluated: 2025-08-21. Review status: criteria provided, single submitter. Criteria: Ambry Variant Classification Scheme 2023. Collection method: clinical testing. Allele origin: germline.

NM_018180.3(DHX32):c.1487C>T (p.Ala496Val)

Genes: BCCIP (BRCA2 and CDKN1A interacting protein; plus strand), DHX32 (DEAH-box helicase 32 (putative); minus strand). Cytogenetic location: 10q26.2.
Variant type: single nucleotide variant.
Coding change: c.1487C>T on transcript NM_018180.3 (MANE Select); coding-DNA position 1487, C replaced by T.
Protein change: p.Ala496Val; replaces alanine 496 with valine.
Molecular consequence: missense variant. On other transcripts: 3 prime UTR variant (1), intron variant (1).
Genome position (GRCh38, 1-based): chr10:125,841,799, G>A on the plus strand (C>T on the coding strand, the complement: DHX32 is on the minus strand). VCF-style: chr10-125841799-G-A. GRCh37 (hg19) VCF-style: chr10-127530368-G-A.
Other names: c.*440G>A (NM_078469.3); c.850+469G>A (NM_016567.4); short protein forms A496V.
Identifiers: ClinVar variation 2965224 (VCV002965224.4), dbSNP rs984967202, ClinGen allele CA215336244.
Genomic context (GRCh38, chr10:125,841,799, plus strand): 5'-ATACCTGTTACCATGGCTGCGATTGTTAGCACTTCATCTACACAGTCAAATTCACAGGAC[G>A]CTAAGATAGACTTCGAGAGTTGTGGATCAAGAGGAAACTCTGACATGATGATTCCAAATT-3'
Protein context (NP_060650.2, residues 486-506): LDPQLSKSIL[Ala496Val]SCEFDCVDEV